The following is an entry in ClinVar:

NM_000069.3(CACNA1S):c.1607T>C (p.Phe536Ser)

Gene: CACNA1S (calcium voltage-gated channel subunit alpha1 S; minus strand). Cytogenetic location: 1q32.1.
Variant type: single nucleotide variant.
Coding change: c.1607T>C on transcript NM_000069.3 (MANE Select); coding-DNA position 1607, T replaced by C.
Protein change: p.Phe536Ser; replaces phenylalanine 536 with serine.
Molecular consequence: missense variant.
Genome position (GRCh38, 1-based): chr1:201,077,891, A>G on the plus strand (T>C on the coding strand, the complement: CACNA1S is on the minus strand). VCF-style: chr1-201077891-A-G. GRCh37 (hg19) VCF-style: chr1-201047019-A-G.
Other names: short protein forms F536S.
Identifiers: ClinVar variation 1936652 (VCV001936652.6), dbSNP rs753092097, ClinGen allele CA344121100.
Genomic context (GRCh38, chr1:201,077,891, plus strand): 5'-GTGGTGCCTGCCGGGGACCCGGGAGTGCCAGCCGACCCCGGCACTCACTTGGTGATCTTG[A>G]AGATCCTCAGGAGGCGGATGCAGCGGAGCACGGAGATGCCCAGGGGTGTCATGGCACCCG-3'
Protein context (NP_000060.2, residues 526-546): VLRCIRLLRI[Phe536Ser]KITKYWTSLS

ClinVar aggregate classification (germline): Uncertain significance. Review status: criteria provided, multiple submitters, no conflicts (2 of 4 stars). 2 submissions from 2 submitters: Uncertain significance (2). Last evaluated 2024-08-06.

Conditions:
Malignant hyperthermia, susceptibility to, 5 (MHS5). Also called: CACNA1S-Related Malignant Hyperthermia Susceptibility. Identifiers: Orphanet 423, MedGen C1866077, MONDO:0011163, OMIM 601887.
Hypokalemic periodic paralysis, type 1. Also called: HypoPP; Hypokalemic Periodic Paralysis Type 1 (AD). Identifiers: Orphanet 681, MedGen C3714580, MONDO:0042979, OMIM 170400.

Allele frequency attached by ClinVar (database versions not stated): TOPMed below 0.00001.

Submissions (2):

All of Us Research Program, National Institutes of Health
Classification: Uncertain significance for Malignant hyperthermia, susceptibility to, 5. Last evaluated: 2024-08-06. Review status: criteria provided, single submitter. Criteria: ACMG Guidelines, 2015. Collection method: clinical testing. Allele origin: germline. Inheritance: Autosomal dominant inheritance. Observed: 1 variant allele, 1 heterozygote.
Comment: This study involves interpretation of variants in research participants for the purpose of population health screening. Participant phenotype was not available at the time of variant classification. Additional details can be found in publication PMID: 35346344, PMCID: PMC8962531

Labcorp Genetics (formerly Invitae), Labcorp
Classification: Uncertain significance for Hypokalemic periodic paralysis, type 1; Malignant hyperthermia, susceptibility to, 5. Last evaluated: 2022-03-26. Review status: criteria provided, single submitter. Criteria: Invitae Variant Classification Sherloc (09022015). Collection method: clinical testing. Allele origin: germline.
Comment: In summary, the available evidence is currently insufficient to determine the role of this variant in disease. Therefore, it has been classified as a Variant of Uncertain Significance. Algorithms developed to predict the effect of missense changes on protein structure and function (SIFT, PolyPhen-2, Align-GVGD) all suggest that this variant is likely to be disruptive. This variant has not been reported in the literature in individuals affected with CACNA1S-related conditions. This variant is not present in population databases (gnomAD no frequency). This sequence change replaces phenylalanine, which is neutral and non-polar, with serine, which is neutral and polar, at codon 536 of the CACNA1S protein (p.Phe536Ser).